The following is an entry in ClinVar:

NM_001267550.2(TTN):c.96549T>C (p.Asn32183=)

Genes: TTN (titin; minus strand), TTN-AS1 (TTN antisense RNA 1; plus strand), LOC126806421 (CDK7 strongly-dependent group 2 enhancer GRCh37_chr2:179407630-179408829; plus strand). Cytogenetic location: 2q31.2.
Variant type: single nucleotide variant.
Coding change: c.96549T>C on transcript NM_001267550.2 (MANE Select); coding-DNA position 96549, T replaced by C.
Protein change: p.Asn32183=; no amino-acid change (asparagine 32183 retained).
Molecular consequence: synonymous variant.
Genome position (GRCh38, 1-based): chr2:178,543,424, A>G on the plus strand (T>C on the coding strand, the complement: TTN is on the minus strand). VCF-style: chr2-178543424-A-G. GRCh37 (hg19) VCF-style: chr2-179408151-A-G.
Other names: c.91626T>C, p.Asn30542= (NM_001256850.1); c.69354T>C, p.Asn23118= (NM_003319.4); c.88845T>C, p.Asn29615= (NM_133378.4); c.69729T>C, p.Asn23243= (NM_133432.3); c.69930T>C, p.Asn23310= (NM_133437.4).
Identifiers: ClinVar variation 386777 (VCV000386777.1), dbSNP rs1057522601, ClinGen allele CA16603980.

ClinVar aggregate classification (germline): Likely benign (1 of 4 stars; one submission).

Submission:

GeneDx
Classification: Likely benign. Last evaluated: 2016-06-02. Review status: criteria provided, single submitter. Criteria: GeneDx Variant Classification (06012015). Collection method: clinical testing. Allele origin: germline. Affected: yes.
Comment: This variant is considered likely benign or benign based on one or more of the following criteria: it is a conservative change, it occurs at a poorly conserved position in the protein, it is predicted to be benign by multiple in silico algorithms, and/or has population frequency not consistent with disease.